The following is an entry in ClinVar:

NM_000441.2(SLC26A4):c.2084T>C (p.Leu695Pro)

Gene: SLC26A4 (solute carrier family 26 member 4; plus strand). Cytogenetic location: 7q22.3.
Variant type: single nucleotide variant.
Coding change: c.2084T>C on transcript NM_000441.2 (MANE Select); coding-DNA position 2084, T replaced by C.
Protein change: p.Leu695Pro; replaces leucine 695 with proline.
Molecular consequence: missense variant.
Genome position (GRCh38, 1-based): chr7:107,704,380, T>C. VCF-style: chr7-107704380-T-C. GRCh37 (hg19) VCF-style: chr7-107344825-T-C.
Other names: short protein forms L695P.
Identifiers: ClinVar variation 4991430 (VCV004991430.1).
Genomic context (GRCh38, chr7:107,704,380, plus strand): 5'-TTTATTTTTAGATTGTCAAAGAATTCCAAAGAATTGATGTGAATGTGTATTTTGCATCAC[T>C]TCAAGGTAAATACATATATCTACATATCTACCTGTAAGACTTTCCCGTAAGCCCTTTCTC-3'
Protein context (NP_000432.1, residues 685-705): RIDVNVYFAS[Leu695Pro]QDYVIEKLEQ

ClinVar aggregate classification (germline): Uncertain significance (1 of 4 stars; one submission).

Conditions:
SLC26A4-related disorder. Also called: SLC26A4-related disorders; SLC26A4-related condition.

Submission:

PreventionGenetics, part of Exact Sciences
Classification: Uncertain significance for SLC26A4-related condition. Last evaluated: 2026-01-20. Review status: criteria provided, single submitter. Criteria: ACMG Guidelines, 2015. Collection method: clinical testing. Allele origin: germline.
Comment: The SLC26A4 c.2084T>C variant is predicted to result in the amino acid substitution p.Leu695Pro. To our knowledge, this variant has not been reported in the literature or in a large population database (gnomAD), indicating this variant is rare. At this time, the clinical significance of this variant is uncertain due to the absence of conclusive functional and genetic evidence.